The following is an entry in ClinVar:

NM_014112.5(TRPS1):c.2183A>G (p.His728Arg)

Gene: TRPS1 (transcriptional repressor GATA binding 1; minus strand). Cytogenetic location: 8q23.3.
Variant type: single nucleotide variant.
Coding change: c.2183A>G on transcript NM_014112.5 (MANE Select); coding-DNA position 2183, A replaced by G.
Protein change: p.His728Arg; replaces histidine 728 with arginine.
Molecular consequence: missense variant.
Genome position (GRCh38, 1-based): chr8:115,587,518, T>C on the plus strand (A>G on the coding strand, the complement: TRPS1 is on the minus strand). VCF-style: chr8-115587518-T-C. GRCh37 (hg19) VCF-style: chr8-116599745-T-C.
Other names: c.2156A>G, p.His719Arg (NM_001282902.3); c.2162A>G, p.His721Arg (NM_001282903.3); c.2144A>G, p.His715Arg (NM_001330599.2); short protein forms H715R, H719R, H721R, H728R.
Identifiers: ClinVar variation 2949129 (VCV002949129.5), dbSNP rs2536862180, ClinGen allele CA372065686.
Genomic context (GRCh38, chr8:115,587,518, plus strand): 5'-GTGGATATGGCATGACCGTCCTCTTCGCCGTTGGCTGTAGTGATGTCCTGTTCCTGGCAG[T>C]GAACAGTGTTGAAGTGCTCCAGTAGTGACTGAGTATCGGCAGCTGTAAAACTGCACTGAC-3'
Protein context (NP_054831.2, residues 718-738): QSLLEHFNTV[His728Arg]CQEQDITTAN

ClinVar aggregate classification (germline): Uncertain significance. Review status: criteria provided, multiple submitters, no conflicts (2 of 4 stars). 2 submissions from 2 submitters: Uncertain significance (2). Last evaluated 2025-04-29.

Conditions:
Trichorhinophalangeal syndrome, type III (TRPS3). Also called: SUGIO-KAJII SYNDROME. Identifiers: Orphanet 77258, MedGen C1860823, OMIM 190351, MONDO:0008597.
Trichorhinophalangeal dysplasia type I (TRPS1). Also called: TRICHORHINOPHALANGEAL SYNDROME, TYPE I; TRPS I. Identifiers: Orphanet 77258, MedGen C0432233, MONDO:0008596, OMIM 190350.

Submissions (2):

Dasa
Classification: Uncertain significance. Last evaluated: 2025-04-29. Review status: criteria provided, single submitter. Criteria: DASA Assertion Criteria. Collection method: clinical testing. Allele origin: germline.
Comment: NM_014112.5(TRPS1):c.2183A>G (p.His728Arg) is a missense variant that results in the substitution of histidine with arginine. This variant is absent from population databases. The currently available literature and clinical evidence are not sufficient to establish a definitive association between this variant and the reported condition. Therefore, this variant is classified as a variant of uncertain significance.

Labcorp Genetics (formerly Invitae), Labcorp
Classification: Uncertain significance for Trichorhinophalangeal syndrome, type III; Trichorhinophalangeal dysplasia type I. Last evaluated: 2023-06-21. Review status: criteria provided, single submitter. Criteria: Invitae Variant Classification Sherloc (09022015). Collection method: clinical testing. Allele origin: germline.
Comment: This sequence change replaces histidine, which is basic and polar, with arginine, which is basic and polar, at codon 728 of the TRPS1 protein (p.His728Arg). In summary, the available evidence is currently insufficient to determine the role of this variant in disease. Therefore, it has been classified as a Variant of Uncertain Significance. Advanced modeling of protein sequence and biophysical properties (such as structural, functional, and spatial information, amino acid conservation, physicochemical variation, residue mobility, and thermodynamic stability) performed at Invitae indicates that this missense variant is expected to disrupt TRPS1 protein function. This variant has not been reported in the literature in individuals affected with TRPS1-related conditions. This variant is not present in population databases (gnomAD no frequency).